The following is an entry in ClinVar:

NM_015375.3(DSTYK):c.217G>A (p.Ala73Thr)

Gene: DSTYK (dual serine/threonine and tyrosine protein kinase; minus strand). Cytogenetic location: 1q32.1.
Variant type: single nucleotide variant.
Coding change: c.217G>A on transcript NM_015375.3 (MANE Select); coding-DNA position 217, G replaced by A.
Protein change: p.Ala73Thr; replaces alanine 73 with threonine.
Molecular consequence: missense variant.
Genome position (GRCh38, 1-based): chr1:205,211,319, C>T on the plus strand (G>A on the coding strand, the complement: DSTYK is on the minus strand). VCF-style: chr1-205211319-C-T. GRCh37 (hg19) VCF-style: chr1-205180447-C-T.
Other names: c.217G>A, p.Ala73Thr (NM_199462.3); short protein forms A73T.
Identifiers: ClinVar variation 2100492 (VCV002100492.4), dbSNP rs749023249, ClinGen allele CA1353095.
Genomic context (GRCh38, chr1:205,211,319, plus strand): 5'-TGCCCTCCTTACCCGCCTGCAGCCCGGTTTCGGCGACATCGCCTGCAGGGCCGCGCTCGG[C>T]CCCGCCGCCGCCCGTGAGGGAGGAGAGACAAGTGTGGTTGTGGGAGCACTTGATGTCGCG-3'
Protein context (NP_056190.1, residues 63-83): CLSSLTGGGG[Ala73Thr]ERGPAGDVAE

ClinVar aggregate classification (germline): Uncertain significance (1 of 4 stars; one submission).

Allele frequency attached by ClinVar (database versions not stated): ExAC 0.00001.
gnomAD v4.1: 1 of 1,610,892 alleles (0.000062%); highest among the groups gnomAD compares: Non-Finnish European, 0.000085%; no homozygotes.

Submission:

Labcorp Genetics (formerly Invitae), Labcorp
Classification: Uncertain significance. Last evaluated: 2022-09-12. Review status: criteria provided, single submitter. Criteria: Invitae Variant Classification Sherloc (09022015). Collection method: clinical testing. Allele origin: germline.
Comment: In summary, the available evidence is currently insufficient to determine the role of this variant in disease. Therefore, it has been classified as a Variant of Uncertain Significance. Algorithms developed to predict the effect of missense changes on protein structure and function (SIFT, PolyPhen-2, Align-GVGD) all suggest that this variant is likely to be tolerated. This variant has not been reported in the literature in individuals affected with DSTYK-related conditions. The frequency data for this variant in the population databases is considered unreliable, as metrics indicate poor data quality at this position in the gnomAD database. This sequence change replaces alanine, which is neutral and non-polar, with threonine, which is neutral and polar, at codon 73 of the DSTYK protein (p.Ala73Thr).